The following is an entry in ClinVar:

NM_014363.6(SACS):c.8468G>A (p.Arg2823Lys)

Gene: SACS (sacsin molecular chaperone; minus strand). Cytogenetic location: 13q12.12.
Variant type: single nucleotide variant.
Coding change: c.8468G>A on transcript NM_014363.6 (MANE Select); coding-DNA position 8468, G replaced by A.
Protein change: p.Arg2823Lys; replaces arginine 2823 with lysine.
Molecular consequence: missense variant.
Genome position (GRCh38, 1-based): chr13:23,335,408, C>T on the plus strand (G>A on the coding strand, the complement: SACS is on the minus strand). VCF-style: chr13-23335408-C-T. GRCh37 (hg19) VCF-style: chr13-23909547-C-T.
Other names: c.8027G>A, p.Arg2676Lys (NM_001278055.2); c.8495G>A, p.Arg2832Lys (NM_001437336.1); short protein forms R2676K, R2832K, R2823K.
Identifiers: ClinVar variation 4987441 (VCV004987441.1).

ClinVar aggregate classification (germline): Uncertain significance (1 of 4 stars; one submission).

Conditions:
SACS-related disorder. Also called: SACS-related condition.

gnomAD v4.1: 3 of 1,613,954 alleles (0.00019%); highest among the groups gnomAD compares: Non-Finnish European, 0.00025%; no homozygotes.

Submission:

PreventionGenetics, part of Exact Sciences
Classification: Uncertain significance for SACS-related condition. Last evaluated: 2026-02-19. Review status: criteria provided, single submitter. Criteria: ACMG Guidelines, 2015. Collection method: clinical testing. Allele origin: germline.
Comment: The SACS c.8468G>A variant is predicted to result in the amino acid substitution p.Arg2823Lys. To our knowledge, this variant has not been reported in the literature or in a large population database (gnomAD), indicating this variant is rare. At this time, the clinical significance of this variant is uncertain due to the absence of conclusive functional and genetic evidence.